The following is an entry in ClinVar:

ClinVar aggregate classification (germline): Likely pathogenic (1 of 4 stars; one submission).

Conditions:
Intellectual developmental disorder with dysmorphic facies and ptosis (IDDDFP). Identifiers: Orphanet 698090, MedGen C4310617, MONDO:0015022, OMIM 617333.

Submission:

MVZ Medizinische Genetik Mainz
Classification: Likely pathogenic for Intellectual developmental disorder with dysmorphic facies and ptosis. Last evaluated: 2022-08-12. Review status: criteria provided, single submitter. Criteria: UK Practice Guidelines For Variant Classification V4 01 2020. Collection method: clinical testing. Allele origin: germline. Inheritance: Autosomal dominant inheritance. Affected: yes. Observed: 1 variant allele.
Comment: ACMG Criteria: PVS1, PM2_SUP

NM_001003694.2(BRPF1):c.2004_2005del (p.Val668_Pro669insTer)

Gene: BRPF1 (bromodomain and PHD finger containing 1; plus strand). Cytogenetic location: 3p25.3.
Variant type: Deletion.
Coding change: c.2004_2005del on transcript NM_001003694.2 (MANE Select); coding-DNA positions 2004 to 2005, 2 bases deleted (AC; older notation c.2004_2005delAC).
Protein change: p.Val668_Pro669insTer.
Molecular consequence: frameshift variant. On other transcripts: non-coding transcript variant (1).
Genome position (GRCh38, 1-based): chr3:9,742,946-9,742,947, AC deleted. VCF-style (leftmost placement, unchanged base first): chr3-9742945-TAC-T. GRCh37 (hg19) VCF-style: chr3-9784629-TAC-T.
Other names: c.1986_1987del, p.Val662_Pro663insTer (NM_001319049.2, NM_001319050.2, NM_004634.3); c.2004_2005del, p.Val668_Pro669insTer (NM_001410704.1).
Identifiers: ClinVar variation 3066369 (VCV003066369.1), dbSNP rs2471496418, ClinGen allele CA2740097854.
Genomic context (GRCh38, chr3:9,742,945, plus strand): 5'-GGGTTCGGGGCAATAAGGAGGATATCTCCACTTAAAACAAACCTGCCCTGCCCTTCCAGG[TAC>T]CTGACTACCTAGACCACATCAAAAAGCCCATGGACTTTTTCACCATGAAGCAGAACTTGG-3'